The following is an entry in ClinVar:

ClinVar aggregate classification (germline): Uncertain significance (1 of 4 stars; one submission).

Conditions:
Rhabdoid tumor predisposition syndrome 2 (RTPS2). Identifiers: Orphanet 231108, Orphanet 69077, MedGen C2750074, MONDO:0013224, OMIM 613325.

Submission:

Labcorp Genetics (formerly Invitae), Labcorp
Classification: Uncertain significance for Rhabdoid tumor predisposition syndrome 2. Last evaluated: 2024-08-05. Review status: criteria provided, single submitter. Criteria: Invitae Variant Classification Sherloc (09022015). Collection method: clinical testing. Allele origin: germline.
Comment: This sequence change replaces aspartic acid, which is acidic and polar, with alanine, which is neutral and non-polar, at codon 999 of the SMARCA4 protein (p.Asp999Ala). This variant is not present in population databases (gnomAD no frequency). This variant has not been reported in the literature in individuals affected with SMARCA4-related conditions. ClinVar contains an entry for this variant (Variation ID: 1045302). Advanced modeling of protein sequence and biophysical properties (such as structural, functional, and spatial information, amino acid conservation, physicochemical variation, residue mobility, and thermodynamic stability) has been performed at Invitae for this missense variant, however the output from this modeling did not meet the statistical confidence thresholds required to predict the impact of this variant on SMARCA4 protein function. In summary, the available evidence is currently insufficient to determine the role of this variant in disease. Therefore, it has been classified as a Variant of Uncertain Significance.

NM_003072.5(SMARCA4):c.2996A>C (p.Asp999Ala)

Gene: SMARCA4 (SWI/SNF related BAF chromatin remodeling complex subunit ATPase 4; plus strand). Cytogenetic location: 19p13.2.
Variant type: single nucleotide variant.
Coding change: c.2996A>C on transcript NM_003072.5 (MANE Select); coding-DNA position 2996, A replaced by C.
Protein change: p.Asp999Ala; replaces aspartic acid 999 with alanine.
Molecular consequence: missense variant. On other transcripts: non-coding transcript variant (1).
Genome position (GRCh38, 1-based): chr19:11,024,353, A>C. VCF-style: chr19-11024353-A-C. GRCh37 (hg19) VCF-style: chr19-11135029-A-C.
Other names: c.2996A>C, p.Asp999Ala (NM_001128844.3, NM_001128845.2, NM_001128846.2 and 5 more transcripts); short protein forms D999A.
Identifiers: ClinVar variation 1045302 (VCV001045302.8), dbSNP rs2090098830, ClinGen allele CA404058850.